The following is an entry in ClinVar:

NM_020964.3(EPG5):c.167A>G (p.Lys56Arg)

Gene: EPG5 (ectopic P-granules 5 autophagy tethering factor; minus strand). Cytogenetic location: 18q21.1.
Variant type: single nucleotide variant.
Coding change: c.167A>G on transcript NM_020964.3 (MANE Select); coding-DNA position 167, A replaced by G.
Protein change: p.Lys56Arg; replaces lysine 56 with arginine.
Molecular consequence: missense variant.
Genome position (GRCh38, 1-based): chr18:45,955,235, T>C on the plus strand (A>G on the coding strand, the complement: EPG5 is on the minus strand). VCF-style: chr18-45955235-T-C. GRCh37 (hg19) VCF-style: chr18-43535201-T-C.
Other names: c.167A>G, p.Lys56Arg (LRG_1234t1); short protein forms K56R.
Identifiers: ClinVar variation 652257 (VCV000652257.10), dbSNP rs761554872, ClinGen allele CA8949998.
Genomic context (GRCh38, chr18:45,955,235, plus strand): 5'-TTTTGTCCACTGGCATCATCCTGGAGCTGGGAATCAGTTACCACCTTCAGATGGTCTCCT[T>C]TGAATTCACAGGCTAGAGAAGGGATTTCCTGCTCTCTGGAGGTTTTTGGAAGGGAGACTT-3'
Protein context (NP_066015.2, residues 46-66): QEIPSLACEF[Lys56Arg]GDHLKVVTDS

ClinVar aggregate classification (germline): Uncertain significance. Review status: criteria provided, multiple submitters, no conflicts (2 of 4 stars). 3 submissions from 3 submitters: Uncertain significance (3). Last evaluated 2024-04-25.

Conditions:
Inborn genetic diseases. Identifiers: MedGen C0950123, MeSH D030342.
Vici syndrome (VICIS). Identifiers: Orphanet 1493, MedGen C1855772, MONDO:0009452, OMIM 242840.

Allele frequency attached by ClinVar (database versions not stated): ExAC 0.00002; gnomAD exomes 0.00002; gnomAD 0.00008 and 0.00009; TOPMed 0.00026.
gnomAD v4.1: 32 of 1,614,090 alleles (0.002%); highest among the groups gnomAD compares: Admixed American, 0.032%; no homozygotes.

Submissions (3):

GeneDx
Classification: Uncertain significance. Last evaluated: 2024-04-25. Review status: criteria provided, single submitter. Criteria: GeneDx Variant Classification Process June 2021. Collection method: clinical testing. Allele origin: germline. Affected: yes.
Comment: Not observed at significant frequency in large population cohorts (gnomAD); In silico analysis indicates that this missense variant does not alter protein structure/function; Has not been previously published as pathogenic or benign to our knowledge

Ambry Genetics
Classification: Uncertain significance for Inborn genetic diseases. Last evaluated: 2023-10-02. Review status: criteria provided, single submitter. Criteria: Ambry Variant Classification Scheme 2023. Collection method: clinical testing. Allele origin: germline.

Labcorp Genetics (formerly Invitae), Labcorp
Classification: Uncertain significance for Vici syndrome. Last evaluated: 2022-10-25. Review status: criteria provided, single submitter. Criteria: Invitae Variant Classification Sherloc (09022015). Collection method: clinical testing. Allele origin: germline.
Comment: This sequence change replaces lysine, which is basic and polar, with arginine, which is basic and polar, at codon 56 of the EPG5 protein (p.Lys56Arg). This variant is present in population databases (rs761554872, gnomAD 0.004%). This variant has not been reported in the literature in individuals affected with EPG5-related conditions. ClinVar contains an entry for this variant (Variation ID: 652257). Algorithms developed to predict the effect of missense changes on protein structure and function output the following: SIFT: "Tolerated"; PolyPhen-2: "Benign"; Align-GVGD: "Class C0". The arginine amino acid residue is found in multiple mammalian species, which suggests that this missense change does not adversely affect protein function. In summary, the available evidence is currently insufficient to determine the role of this variant in disease. Therefore, it has been classified as a Variant of Uncertain Significance.